The following is an entry in ClinVar:

ClinVar aggregate classification (germline): Likely pathogenic (1 of 4 stars; one submission).

Conditions:
Autosomal recessive spinocerebellar ataxia 20. Identifiers: Orphanet 397709, MedGen C5190595, MONDO:0014601, OMIM 616354.

Submission:

Women's Health and Genetics/Laboratory Corporation of America, LabCorp
Classification: Likely pathogenic for Autosomal recessive spinocerebellar ataxia 20. Last evaluated: 2024-10-22. Review status: criteria provided, single submitter. Criteria: LabCorp Variant Classification Summary - May 2015. Collection method: clinical testing. Allele origin: germline.
Comment: Variant summary: SNX14 c.262-1G>A is located in a canonical splice-site and is predicted to affect mRNA splicing resulting in a significantly altered protein due to either exon skipping, shortening, or inclusion of intronic material. Variants that disrupt the consensus splice site are a relatively common cause of aberrant splicing and loss of SNX14 function. Several computational tools predict a significant impact on normal splicing: Four predict the variant abolishes the canonical 3' acceptor site. Two predict the variant strengthens a cryptic 3' acceptor site. One predict the variant creates the cryptic 3' acceptor site. However, these predictions have yet to be confirmed by functional studies. The variant was absent in 247164 control chromosomes. To our knowledge, no occurrence of c.262-1G>A in individuals affected with Autosomal Recessive Spinocerebellar Ataxia 20 and no experimental evidence demonstrating its impact on protein function have been reported. No submitters have cited clinical-significance assessments for this variant to ClinVar. Based on the evidence outlined above, the variant was classified as likely pathogenic.

NM_153816.6(SNX14):c.262-1G>A

Gene: SNX14 (sorting nexin 14; minus strand). Cytogenetic location: 6q14.3.
Variant type: single nucleotide variant.
Coding change: c.262-1G>A on transcript NM_153816.6 (MANE Select); the canonical splice acceptor site of the intron before coding-DNA position 262, G replaced by A.
Molecular consequence: splice acceptor variant. On other transcripts: intron variant (6).
Genome position (GRCh38, 1-based): chr6:85,572,375, C>T on the plus strand (G>A on the coding strand, the complement: SNX14 is on the minus strand). VCF-style: chr6-85572375-C-T. GRCh37 (hg19) VCF-style: chr6-86282093-C-T.
Other names: c.106-4G>A (NM_001350543.2, NM_001350539.2); c.106-1G>A (NM_001350542.2, NM_001350544.2, NM_001304479.2); c.-139-1G>A (NM_001350546.2, NM_001350545.2); c.-704-1G>A (NM_001350547.2); c.-890-1G>A (NM_001350553.2, NM_001350549.2, NM_001350550.2); c.262-4G>A (NM_001350537.2, NM_001350534.2, NM_001350535.2 and 1 more transcripts); c.-758-1G>A (NM_001350548.2); c.262-1G>A (NM_020468.6, NM_001350536.2, NM_001350538.2 and 3 more transcripts); and 3 more.
Identifiers: ClinVar variation 3385143 (VCV003385143.1).